The following is an entry in ClinVar:

NM_000535.7(PMS2):c.2278C>T (p.Pro760Ser)

Gene: PMS2 (PMS1 homolog 2, mismatch repair system component; minus strand). Cytogenetic location: 7p22.1.
Variant type: single nucleotide variant.
Coding change: c.2278C>T on transcript NM_000535.7 (MANE Select); coding-DNA position 2278, C replaced by T.
Protein change: p.Pro760Ser; replaces proline 760 with serine.
Molecular consequence: missense variant.
Genome position (GRCh38, 1-based): chr7:5,977,755, G>A on the plus strand (C>T on the coding strand, the complement: PMS2 is on the minus strand). VCF-style: chr7-5977755-G-A. GRCh37 (hg19) VCF-style: chr7-6017386-G-A.
Other names: c.1873C>T, p.Pro625Ser (NM_001322003.2, NM_001322004.2, NM_001322005.2); c.2122C>T, p.Pro708Ser (NM_001322006.2); c.1960C>T, p.Pro654Ser (NM_001322007.2, NM_001322008.2); c.1906C>T, p.Pro636Ser (NM_001322009.2); c.1717C>T, p.Pro573Ser (NM_001322010.2); c.1345C>T, p.Pro449Ser (NM_001322011.2, NM_001322012.2); c.1705C>T, p.Pro569Ser (NM_001322013.2); c.2311C>T, p.Pro771Ser (NM_001322014.2); and 1 more; short protein forms P760S, P573S, P708S, P771S, P449S, P625S, P569S, P636S.
Identifiers: ClinVar variation 237905 (VCV000237905.13), dbSNP rs763468927, ClinGen allele CA047414.

ClinVar aggregate classification (germline): Uncertain significance. Review status: criteria provided, multiple submitters, no conflicts (2 of 4 stars). 2 submissions from 2 submitters: Uncertain significance (2). Last evaluated 2022-03-14.

Conditions:
Hereditary nonpolyposis colorectal neoplasms. Identifiers: MedGen C0009405, MeSH D003123.
Hereditary cancer-predisposing syndrome. Also called: Neoplastic Syndromes, Hereditary; Hereditary neoplastic syndrome; Tumor predisposition; Hereditary Cancer Syndrome. Identifiers: Orphanet 140162, MedGen C0027672, MeSH D009386, MONDO:0015356.

Allele frequency attached by ClinVar (database versions not stated): gnomAD below 0.00001 and 0.00001; gnomAD exomes below 0.00001; TOPMed below 0.00001; ExAC 0.00001.

Submissions (2):

Ambry Genetics
Classification: Uncertain significance for Hereditary cancer-predisposing syndrome. Last evaluated: 2022-03-14. Review status: criteria provided, single submitter. Criteria: Ambry Variant Classification Scheme 2023. Collection method: clinical testing. Allele origin: germline.
Comment: The p.P760S variant (also known as c.2278C>T), located in coding exon 14 of the PMS2 gene, results from a C to T substitution at nucleotide position 2278. The proline at codon 760 is replaced by serine, an amino acid with similar properties. This amino acid position is conserved. In addition, the in silico prediction for this alteration is inconclusive. Since supporting evidence is limited at this time, the clinical significance of this alteration remains unclear.

Labcorp Genetics (formerly Invitae), Labcorp
Classification: Uncertain significance for Hereditary nonpolyposis colorectal neoplasms. Last evaluated: 2019-09-26. Review status: criteria provided, single submitter. Criteria: Invitae Variant Classification Sherloc (09022015). Collection method: clinical testing. Allele origin: germline.
Comment: This sequence change replaces proline with serine at codon 760 of the PMS2 protein (p.Pro760Ser). The proline residue is moderately conserved and there is a moderate physicochemical difference between proline and serine. The frequency data for this variant in the population databases (ExAC) is considered unreliable due to the presence of homologous sequence, such as pseudogenes or paralogs, in the genome. This variant has not been reported in the literature in individuals with PMS2-related conditions. ClinVar contains an entry for this variant (Variation ID: 237905). Algorithms developed to predict the effect of missense changes on protein structure and function are either unavailable or do not agree on the potential impact of this missense change (SIFT: "Tolerated"; PolyPhen-2: "Possibly Damaging"; Align-GVGD: "Class C0"). In summary, the available evidence is currently insufficient to determine the role of this variant in disease. Therefore, it has been classified as a Variant of Uncertain Significance.